The following is an entry in ClinVar:

NM_014361.4(CNTN5):c.630C>T (p.Gly210=)

Gene: CNTN5 (contactin 5; plus strand). Cytogenetic location: 11q22.1.
Variant type: single nucleotide variant.
Coding change: c.630C>T on transcript NM_014361.4 (MANE Select); coding-DNA position 630, C replaced by T.
Protein change: p.Gly210=; no amino-acid change (glycine 210 retained).
Molecular consequence: synonymous variant.
Genome position (GRCh38, 1-based): chr11:99,916,106, C>T. VCF-style: chr11-99916106-C-T. GRCh37 (hg19) VCF-style: chr11-99786838-C-T.
Other names: NC_000011.9:g.99786838C>T; c.630C>T, p.Gly210= (NM_001243270.2, NM_001243271.2); c.408C>T, p.Gly136= (NM_175566.2).
Identifiers: ClinVar variation 739238 (VCV000739238.18), dbSNP rs200949680, ClinGen allele CA6242145.

ClinVar aggregate classification (germline): Likely benign. Review status: criteria provided, multiple submitters, no conflicts (2 of 4 stars). 2 submissions from 2 submitters: Likely benign (2). Last evaluated 2024-11-01.

Allele frequency attached by ClinVar (database versions not stated): ExAC 0.00043; gnomAD exomes 0.00043; gnomAD 0.00044 and 0.00046; TOPMed 0.00047; ESP Exome Variant Server 0.00048.

Submissions (3):

CeGaT Center for Human Genetics Tuebingen
Classification: Likely benign. Last evaluated: 2024-11-01. Review status: criteria provided, single submitter. Criteria: CeGaT Center For Human Genetics Tuebingen Variant Classification Criteria Version 2. Collection method: clinical testing. Allele origin: germline. Affected: yes. Observed: 1 variant allele.
Comment: CNTN5: BP4, BP7

Labcorp Genetics (formerly Invitae), Labcorp
Classification: Likely benign. Last evaluated: 2018-05-19. Review status: criteria provided, single submitter. Criteria: Invitae Variant Classification Sherloc (09022015). Collection method: clinical testing. Allele origin: germline.

Dr. Peter K. Rogan Lab, Western University
No classification provided (evidence only). Condition: Ovarian serous cystadenocarcinoma. Review status: no classification provided. Collection method: in vitro. Allele origin: not applicable. Functional consequence: retained intron. Not counted in ClinVar's aggregate classification.